The following is an entry in ClinVar:

ClinVar aggregate classification (germline): Uncertain significance (1 of 4 stars; one submission).

gnomAD v4.1: 1 of 1,602,214 alleles (0.000062%); highest among the groups gnomAD compares: Non-Finnish European, 0.000085%; no homozygotes.

Submission:

Labcorp Genetics (formerly Invitae), Labcorp
Classification: Uncertain significance. Last evaluated: 2022-05-24. Review status: criteria provided, single submitter. Criteria: Invitae Variant Classification Sherloc (09022015). Collection method: clinical testing. Allele origin: germline.
Comment: In summary, the available evidence is currently insufficient to determine the role of this variant in disease. Therefore, it has been classified as a Variant of Uncertain Significance. Algorithms developed to predict the effect of missense changes on protein structure and function are either unavailable or do not agree on the potential impact of this missense change (SIFT: "Deleterious"; PolyPhen-2: "Probably Damaging"; Align-GVGD: "Class C0"). This variant has not been reported in the literature in individuals affected with CAPN5-related conditions. This variant is not present in population databases (gnomAD no frequency). This sequence change replaces glutamic acid, which is acidic and polar, with lysine, which is basic and polar, at codon 432 of the CAPN5 protein (p.Glu432Lys).

NM_004055.5(CAPN5):c.1294G>A (p.Glu432Lys)

Gene: CAPN5 (calpain 5; plus strand). Cytogenetic location: 11q13.5.
Variant type: single nucleotide variant.
Coding change: c.1294G>A on transcript NM_004055.5 (MANE Select); coding-DNA position 1294, G replaced by A.
Protein change: p.Glu432Lys; replaces glutamic acid 432 with lysine.
Molecular consequence: missense variant.
Genome position (GRCh38, 1-based): chr11:77,120,716, G>A. VCF-style: chr11-77120716-G-A. GRCh37 (hg19) VCF-style: chr11-76831762-G-A.
Other names: short protein forms E432K.
Identifiers: ClinVar variation 2110872 (VCV002110872.4), dbSNP rs1555042622, ClinGen allele CA381942725.
Genomic context (GRCh38, chr11:77,120,716, plus strand): 5'-GGCCAGGGTGTTGTAGGGTGTGTCTCCGCGTGGCCCAGCCCCTCCCGCCTCCTGCAGGTG[G>A]AGGAGAACCGCCAGTACCGCATGCACAGCCTGCAGCACAAGGCCGCCAGCTCCATCTACA-3'
Protein context (NP_004046.2, residues 422-442): LAIGFDIYKV[Glu432Lys]ENRQYRMHSL